The following is an entry in ClinVar:

ClinVar aggregate classification (germline): Uncertain significance. Review status: criteria provided, multiple submitters, no conflicts (2 of 4 stars). 3 submissions from 3 submitters: Uncertain significance (2). 1 of the submissions does not count toward it. Last evaluated 2026-08-04.

Conditions:
Nephronophthisis. Also called: Juvenile Nephronophthisis. Identifiers: Orphanet 655, MedGen C0687120, MONDO:0019005, HP:0000090.
Joubert syndrome. Also called: Familial aplasia of the vermis; JOUBERT-BOLTSHAUSER SYNDROME. Identifiers: Orphanet 475, MedGen C5979921, MONDO:0018772.
Meckel-Gruber syndrome. Also called: DYSENCEPHALIA SPLANCHNOCYSTICA; GRUBER SYNDROME; Dysencephalia splachnocystica. Identifiers: Orphanet 564, MedGen C0265215, MONDO:0018921.
Leber congenital amaurosis (LCA). Also called: Leber's amaurosis. Identifiers: Orphanet 65, MedGen C0339527, MeSH D057130, MONDO:0018998.
CEP290-related disorder. Also called: CEP290-related condition; CEP290-related disorders. Identifiers: MedGen CN239314.

Allele frequency attached by ClinVar (database versions not stated): gnomAD exomes below 0.00001; TOPMed below 0.00001; gnomAD 0.00001.

Submissions (3):

PreventionGenetics, part of Exact Sciences
Classification: Uncertain significance for CEP290-related condition. Last evaluated: 2026-08-04. Review status: criteria provided, single submitter. Criteria: ACMG Guidelines, 2015. Collection method: clinical testing. Allele origin: germline.
Comment: The CEP290 c.6807T>G variant is predicted to result in the amino acid substitution p.Ile2269Met. To our knowledge, this variant has not been reported in the literature. This variant is reported in 0.00089% of alleles in individuals of European (Non-Finnish) descent in gnomAD. At this time, the clinical significance of this variant is uncertain due to the absence of conclusive functional and genetic evidence.

Labcorp Genetics (formerly Invitae), Labcorp
Classification: Uncertain significance for Joubert syndrome; Meckel-Gruber syndrome; Nephronophthisis. Last evaluated: 2021-08-26. Review status: criteria provided, single submitter. Criteria: Invitae Variant Classification Sherloc (09022015). Collection method: clinical testing. Allele origin: germline.
Comment: This sequence change replaces isoleucine with methionine at codon 2269 of the CEP290 protein (p.Ile2269Met). The isoleucine residue is weakly conserved and there is a small physicochemical difference between isoleucine and methionine. This variant is not present in population databases (ExAC no frequency). This variant has not been reported in the literature in individuals affected with CEP290-related conditions. Algorithms developed to predict the effect of missense changes on protein structure and function are either unavailable or do not agree on the potential impact of this missense change (SIFT: "Tolerated"; PolyPhen-2: "Possibly Damaging"; Align-GVGD: "Class C0"). In summary, the available evidence is currently insufficient to determine the role of this variant in disease. Therefore, it has been classified as a Variant of Uncertain Significance.

Natera, Inc.
Classification: Uncertain significance for Leber congenital amaurosis. Last evaluated: 2021-05-11. Review status: no assertion criteria provided. Collection method: clinical testing. Allele origin: germline. Not counted in ClinVar's aggregate classification.

NM_025114.4(CEP290):c.6807T>G (p.Ile2269Met)

Gene: CEP290 (centrosomal protein 290; minus strand). Cytogenetic location: 12q21.32.
Variant type: single nucleotide variant.
Coding change: c.6807T>G on transcript NM_025114.4 (MANE Select); coding-DNA position 6807, T replaced by G.
Protein change: p.Ile2269Met; replaces isoleucine 2269 with methionine.
Molecular consequence: missense variant.
Genome position (GRCh38, 1-based): chr12:88,058,859, A>C on the plus strand (T>G on the coding strand, the complement: CEP290 is on the minus strand). VCF-style: chr12-88058859-A-C. GRCh37 (hg19) VCF-style: chr12-88452636-A-C.
Other names: short protein forms I2269M.
Identifiers: ClinVar variation 661874 (VCV000661874.8), dbSNP rs1355908667, ClinGen allele CA385977190.
Genomic context (GRCh38, chr12:88,058,859, plus strand): 5'-AAAATTTGAAATGATTAAACTTTGTACAAGTTTAAAACTCTGTTCCTACCTTGTAACCAC[A>C]ATGGATTTCCAGCTCTTACTGTCAGCACCTTCAAGCTGTGGACCTCTGCTTTCTGCAAAC-3'
Protein context (NP_079390.3, residues 2259-2279): EGADSKSWKS[Ile2269Met]VVTRMYETKL